The following is an entry in ClinVar:

NM_000038.6(APC):c.835-15G>T

Gene: APC (APC regulator of Wnt signaling pathway; plus strand). Cytogenetic location: 5q22.2.
Variant type: single nucleotide variant.
Coding change: c.835-15G>T on transcript NM_000038.6 (MANE Select); 15 bases into the intron before coding-DNA position 835, G replaced by T.
Molecular consequence: intron variant.
Genome position (GRCh38, 1-based): chr5:112,815,480, G>T. VCF-style: chr5-112815480-G-T. GRCh37 (hg19) VCF-style: chr5-112151177-G-T.
Other names: c.-15-15G>T (NM_001407470.1, NM_001407472.1, NM_001354906.2 and 1 more transcripts); c.835-15G>T (NM_001407447.1, NM_001354895.2, NM_001407456.1 and 12 more transcripts); c.751-15G>T (NM_001407452.1, NM_001407469.1, NM_001354899.2 and 1 more transcripts); c.865-15G>T (NM_001407446.1, NM_001354897.2, NM_001354902.2); c.781-15G>T (NM_001127511.3); c.658-15G>T (NM_001407453.1, NM_001354900.2, NM_001354901.2 and 1 more transcripts); c.760-15G>T (NM_001407451.1, NM_001354898.2, NM_001354904.2).
Identifiers: ClinVar variation 4984852 (VCV004984852.1).
Genomic context (GRCh38, chr5:112,815,480, plus strand): 5'-GAGTACCTTAACATGATGTTATCTGTATTTACCTATAGTCTAAATTATACCATCTATAAT[G>T]TGCTTAATTTTTAGGGTTCAACTACACGAATGGACCATGAAACAGCCAGTGTTTTGAGTT-3'

ClinVar aggregate classification (germline): Likely benign (1 of 4 stars; one submission).

Conditions:
APC-related disorder. Also called: APC-related condition.

gnomAD v4.1: 1 of 1,591,342 alleles (0.000063%); no homozygotes.

Submission:

PreventionGenetics, part of Exact Sciences
Classification: Likely benign for APC-related condition. Last evaluated: 2026-01-09. Review status: criteria provided, single submitter. Criteria: ACMG Guidelines, 2015. Collection method: clinical testing. Allele origin: germline.
Comment: This variant is classified as likely benign based on ACMG/AMP sequence variant interpretation guidelines (Richards et al. 2015 PMID: 25741868, with internal and published modifications).